The following is an entry in ClinVar:

ClinVar aggregate classification (germline): Uncertain significance (1 of 4 stars; one submission).

Conditions:
Hereditary cancer-predisposing syndrome. Also called: Neoplastic Syndromes, Hereditary; Tumor predisposition; Hereditary neoplastic syndrome; Hereditary Cancer Syndrome. Identifiers: Orphanet 140162, MedGen C0027672, MeSH D009386, MONDO:0015356.

Submission:

Ambry Genetics
Classification: Uncertain significance for Hereditary cancer-predisposing syndrome. Last evaluated: 2023-12-13. Review status: criteria provided, single submitter. Criteria: Ambry Variant Classification Scheme 2023. Collection method: clinical testing. Allele origin: germline.
Comment: The p.E530D variant (also known as c.1590A>T), located in coding exon 9 of the MEN1 gene, results from an A to T substitution at nucleotide position 1590. The glutamic acid at codon 530 is replaced by aspartic acid, an amino acid with highly similar properties. This amino acid position is conserved. In addition, this alteration is predicted to be tolerated by in silico analysis. Since supporting evidence is limited at this time, the clinical significance of this alteration remains unclear.

NM_001370259.2(MEN1):c.1590A>T (p.Glu530Asp)

Gene: MEN1 (menin 1; minus strand). Cytogenetic location: 11q13.1.
Variant type: single nucleotide variant.
Coding change: c.1590A>T on transcript NM_001370259.2 (MANE Select); coding-DNA position 1590, A replaced by T.
Protein change: p.Glu530Asp; replaces glutamic acid 530 with aspartic acid.
Molecular consequence: missense variant. On other transcripts: non-coding transcript variant (4).
Genome position (GRCh38, 1-based): chr11:64,804,577, T>A on the plus strand (A>T on the coding strand, the complement: MEN1 is on the minus strand). VCF-style: chr11-64804577-T-A. GRCh37 (hg19) VCF-style: chr11-64572049-T-A.
Other names: c.1605A>T, p.Glu535Asp (NM_000244.4, NM_001407145.1, NM_130800.3 and 4 more transcripts); c.1716A>T, p.Glu572Asp (NM_001370251.2, NM_001407142.1, NM_001407143.1 and 1 more transcripts); c.1590A>T, p.Glu530Asp (NM_001370260.2, NM_001370261.2, NM_001407146.1 and 2 more transcripts); c.1485A>T, p.Glu495Asp (NM_001370262.2, NM_001370263.2, NM_001407148.1 and 1 more transcripts); c.1731A>T, p.Glu577Asp (NM_001407150.1); c.1611A>T, p.Glu537Asp (NM_001407151.1); c.1425A>T, p.Glu475Asp (NM_001407152.1); short protein forms E475D, E495D, E530D, E535D, E537D, E572D, E577D.
Identifiers: ClinVar variation 3229070 (VCV003229070.1), dbSNP rs2136083793, ClinGen allele CA381178258.